The following is an entry in ClinVar:

NM_144599.5(NIPA1):c.*1927A>G

Gene: NIPA1 (NIPA magnesium transporter 1; plus strand). Cytogenetic location: 15q11.2.
Variant type: single nucleotide variant.
Coding change: c.*1927A>G on transcript NM_144599.5 (MANE Select); 1927 bases downstream of the stop codon, A replaced by G.
Molecular consequence: 3 prime UTR variant.
Genome position (GRCh38, 1-based): chr15:22,826,166, A>G. VCF-style: chr15-22826166-A-G. GRCh37 (hg19) VCF-style: chr15-23046902-T-C.
Other names: c.*1927A>G (NM_001142275.1).
Identifiers: ClinVar variation 315392 (VCV000315392.6), dbSNP rs17807140, ClinGen allele CA10645542.

ClinVar aggregate classification (germline): Benign. Review status: criteria provided, multiple submitters, no conflicts (2 of 4 stars). 2 submissions from 2 submitters: Benign (2). Last evaluated 2018-01-13.

Conditions:
Hereditary spastic paraplegia 6 (SPG6). Also called: SPASTIC PARAPLEGIA 6, AUTOSOMAL DOMINANT. Identifiers: Orphanet 100988, MedGen C1838192, MONDO:0010878, OMIM 600363.

Allele frequency attached by ClinVar (database versions not stated): 1000 Genomes Project 30x 0.25562; 1000 Genomes Project 0.25579; TOPMed 0.28066; gnomAD 0.28722 and 0.28781.

Submissions (2):

Illumina Laboratory Services, Illumina
Classification: Benign for Hereditary spastic paraplegia 6. Last evaluated: 2018-01-13. Review status: criteria provided, single submitter. Criteria: ICSL Variant Classification Criteria 13 December 2019. Collection method: clinical testing. Allele origin: germline.
Comment: This variant was observed in the ICSL laboratory as part of a predisposition screen in an ostensibly healthy population. It had not been previously curated by ICSL or reported in the Human Gene Mutation Database (HGMD: prior to June 1st, 2018), and was therefore a candidate for classification through an automated scoring system. Utilizing variant allele frequency, disease prevalence and penetrance estimates, and inheritance mode, an automated score was calculated to assess if this variant is too frequent to cause the disease. Based on the score and internal cut-off values, a variant classified as benign is not then subjected to further curation. The score for this variant resulted in a classification of benign for this disease.

Breakthrough Genomics
Classification: Benign. Review status: criteria provided, single submitter. Criteria: ACMG Guidelines, 2015. Collection method: not provided. Allele origin: germline. Inheritance: Autosomal dominant inheritance. Affected: yes.